The following is an entry in ClinVar:

ClinVar aggregate classification (germline): Benign (0 of 4 stars; one submission).

Conditions:
ATXN2-related disorder. Also called: ATXN2-related condition.

Allele frequency attached by ClinVar (database versions not stated): 1000 Genomes Project 30x 0.00031; TOPMed 0.00052; gnomAD 0.00102.
gnomAD v4.1: 1,100 of 1,205,096 alleles (0.091%); highest among the groups gnomAD compares: Non-Finnish European, 0.1%; 3 homozygotes.

Submission:

PreventionGenetics, part of Exact Sciences
Classification: Benign for ATXN2-related condition. Last evaluated: 2019-06-28. Review status: no assertion criteria provided. Collection method: clinical testing. Allele origin: germline.
Comment: This variant is classified as benign based on ACMG/AMP sequence variant interpretation guidelines (Richards et al. 2015 PMID: 25741868, with internal and published modifications).

NM_001372574.1(ATXN2):c.-154C>T

Genes: ATXN2 (ataxin 2; minus strand), LOC130008792 (ATAC-STARR-seq lymphoblastoid silent region 4873; plus strand). Cytogenetic location: 12q24.12.
Variant type: single nucleotide variant.
Coding change: c.-154C>T on transcript NM_001372574.1 (MANE Select); 154 bases upstream of the start codon, C replaced by T.
Molecular consequence: 5 prime UTR variant. On other transcripts: non-coding transcript variant (1), intron variant (2).
Genome position (GRCh38, 1-based): chr12:111,599,188, G>A on the plus strand (C>T on the coding strand, the complement: ATXN2 is on the minus strand). VCF-style: chr12-111599188-G-A. GRCh37 (hg19) VCF-style: chr12-112036992-G-A.
Other names: c.-154C>T (NM_002973.4); c.-28+387C>T (NM_001310123.1); c.-65+387C>T (NM_001310121.1).
Identifiers: ClinVar variation 3043166 (VCV003043166.2), dbSNP rs781266801, ClinGen allele CA6791023.